The following is an entry in ClinVar:

NM_001709.5(BDNF):c.393C>G (p.Asp131Glu)

Genes: BDNF (brain derived neurotrophic factor; minus strand), BDNF-AS (BDNF antisense RNA; plus strand). Cytogenetic location: 11p14.1.
Variant type: single nucleotide variant.
Coding change: c.393C>G on transcript NM_001709.5 (MANE Select); coding-DNA position 393, C replaced by G.
Protein change: p.Asp131Glu; replaces aspartic acid 131 with glutamic acid.
Molecular consequence: missense variant.
Genome position (GRCh38, 1-based): chr11:27,658,172, G>C on the plus strand (C>G on the coding strand, the complement: BDNF is on the minus strand). VCF-style: chr11-27658172-G-C. GRCh37 (hg19) VCF-style: chr11-27679719-G-C.
Other names: c.393C>G, p.Asp131Glu (NM_001143805.1, NM_001143806.1, NM_001143807.2 and 9 more transcripts); c.480C>G, p.Asp160Glu (NM_001143809.2); c.639C>G, p.Asp213Glu (NM_001143810.2); c.417C>G, p.Asp139Glu (NM_170731.5); c.438C>G, p.Asp146Glu (NM_170734.4); short protein forms D213E, D131E, D139E, D160E, D146E.
Identifiers: ClinVar variation 4991382 (VCV004991382.1).
Genomic context (GRCh38, chr11:27,658,172, plus strand): 5'-TGCCGCCGTTACCCACTCACTAATACTGTCACACACGCTCAGCTCCCCTCGGCGGGCAGG[G>C]TCAGAGTGGCGCCGGACCCTCATGGACATGTTTGCAGCATCTAGGTAATTTTTGTATTCC-3'
Protein context (NP_001700.2, residues 121-141): NMSMRVRRHS[Asp131Glu]PARRGELSVC

ClinVar aggregate classification (germline): Uncertain significance (1 of 4 stars; one submission).

Conditions:
BDNF-related disorder. Also called: BDNF-related condition.

Submission:

PreventionGenetics, part of Exact Sciences
Classification: Uncertain significance for BDNF-related condition. Last evaluated: 2025-12-26. Review status: criteria provided, single submitter. Criteria: ACMG Guidelines, 2015. Collection method: clinical testing. Allele origin: germline.
Comment: The BDNF c.639C>G variant is predicted to result in the amino acid substitution p.Asp213Glu. To our knowledge, this variant has not been reported in the literature or in a large population database (gnomAD), indicating this variant is rare. At this time, the clinical significance of this variant is uncertain due to the absence of conclusive functional and genetic evidence.